The following is an entry in ClinVar:

NM_001134673.4(NFIA):c.325G>T (p.Asp109Tyr)

Gene: NFIA (nuclear factor I A; plus strand). Cytogenetic location: 1p31.3.
Variant type: single nucleotide variant.
Coding change: c.325G>T on transcript NM_001134673.4 (MANE Select); coding-DNA position 325, G replaced by T.
Protein change: p.Asp109Tyr; replaces aspartic acid 109 with tyrosine.
Molecular consequence: missense variant.
Genome position (GRCh38, 1-based): chr1:61,088,446, G>T. VCF-style: chr1-61088446-G-T. GRCh37 (hg19) VCF-style: chr1-61554118-G-T.
Other names: c.301G>T, p.Asp101Tyr (NM_001145511.2); c.460G>T, p.Asp154Tyr (NM_001145512.2); c.325G>T, p.Asp109Tyr (NM_005595.5); short protein forms D154Y, D101Y, D109Y.
Identifiers: ClinVar variation 4119398 (VCV004119398.1).

ClinVar aggregate classification (germline): Likely pathogenic (1 of 4 stars; one submission).

Conditions:
Inborn genetic diseases. Identifiers: MedGen C0950123, MeSH D030342.

Submission:

Ambry Genetics
Classification: Likely pathogenic for Inborn genetic diseases. Last evaluated: 2025-07-21. Review status: criteria provided, single submitter. Criteria: Ambry Variant Classification Scheme 2023. Collection method: clinical testing. Allele origin: germline.
Comment: The c.460G>T (p.D154Y) alteration is located in exon 3 (coding exon 3) of the NFIA gene. This alteration results from a G to T substitution at nucleotide position 460, causing the aspartic acid (D) at amino acid position 154 to be replaced by a tyrosine (Y). This variant was not reported in population-based cohorts in the Genome Aggregation Database (gnomAD). This amino acid position is highly conserved in available vertebrate species. This missense alteration is located in a region that has a low rate of benign missense variation (Lek, 2016; Firth, 2009). This alteration is predicted to be deleterious by in silico analysis. Based on the available evidence, this alteration is classified as likely pathogenic.